The following is an entry in ClinVar:

NM_003242.6(TGFBR2):c.1338T>G (p.Asp446Glu)

Gene: TGFBR2 (transforming growth factor beta receptor 2; plus strand). Cytogenetic location: 3p24.1.
Variant type: single nucleotide variant.
Coding change: c.1338T>G on transcript NM_003242.6 (MANE Select); coding-DNA position 1338, T replaced by G.
Protein change: p.Asp446Glu; replaces aspartic acid 446 with glutamic acid.
Molecular consequence: missense variant.
Genome position (GRCh38, 1-based): chr3:30,674,188, T>G. VCF-style: chr3-30674188-T-G. GRCh37 (hg19) VCF-style: chr3-30715680-T-G.
Other names: p.D446E:GAT>GAG; c.1413T>G, p.Asp471Glu (NM_001024847.3); c.1521T>G, p.Asp507Glu (NM_001407126.1); c.1446T>G, p.Asp482Glu (NM_001407127.1); c.1365T>G, p.Asp455Glu (NM_001407128.1); c.1341T>G, p.Asp447Glu (NM_001407129.1); c.1338T>G, p.Asp446Glu (NM_001407130.1); c.1233T>G, p.Asp411Glu (NM_001407132.1, NM_001407133.1, NM_001407134.1 and 2 more transcripts); and 2 more; short protein forms D446E, D471E, D351E, D411E, D455E, D326E, D447E, D507E.
Identifiers: ClinVar variation 213932 (VCV000213932.3), dbSNP rs863223851, ClinGen allele CA321430.

ClinVar aggregate classification (germline): Likely pathogenic (1 of 4 stars; one submission).

Submission:

GeneDx
Classification: Likely pathogenic. Last evaluated: 2013-07-01. Review status: criteria provided, single submitter. Criteria: GeneDx Variant Classification (06012015). Collection method: clinical testing. Allele origin: germline. Affected: yes.
Comment: p.Asp446Glu (GAT>GAG): c.1338 T>G in exon 5 of the TGFBR2 gene (NM_003242.5)The Asp446Glu variant in the TGFBR2 gene has not been reported as a disease-causing mutation or as a benign polymorphism to our knowledge. Asp446Glu results in a conservative amino acid substitution of one negatively charged amino acid with another at a position that is conserved across species. In silico analysis predicts Asp446Glu is probably damaging to the protein structure/function. Mutations in this residue (Asp446Asn, Asp446His) and in nearby residues (Phe442Leu, Tyr448His) have been reported in association with Loeys-Dietz syndrome (LDS) or a related disorder, further supporting the functional importance of this region of the protein. Furthermore, the Asp446Glu variant was not observed in approximately 6,500 individuals of European and African American ancestry in the NHLBI Exome Sequencing Project, indicating it is not a common benign variant in these populations.In summary, while Asp446Glu is a good candidate for a disease-causing mutation, with the clinical and molecular information available at this time we cannot unequivocally determine the clinical significance of this variant. This variant was found in TAAD